The following is an entry in ClinVar:

NM_007294.4(BRCA1):c.5069A>G (p.Lys1690Arg)

Gene: BRCA1 (BRCA1 DNA repair associated; minus strand). Cytogenetic location: 17q21.31.
Variant type: single nucleotide variant.
Coding change: c.5069A>G on transcript NM_007294.4 (MANE Select); coding-DNA position 5069, A replaced by G.
Protein change: p.Lys1690Arg; replaces lysine 1690 with arginine.
Molecular consequence: missense variant. On other transcripts: non-coding transcript variant (1).
Genome position (GRCh38, 1-based): chr17:43,067,613, T>C on the plus strand (A>G on the coding strand, the complement: BRCA1 is on the minus strand). VCF-style: chr17-43067613-T-C. GRCh37 (hg19) VCF-style: chr17-41219630-T-C.
Other names: c.4682A>G, p.Lys1561Arg (NM_001407963.1); c.4607A>G, p.Lys1536Arg (NM_001407964.1); c.4562A>G, p.Lys1521Arg (NM_001407965.1); c.4181A>G, p.Lys1394Arg (NM_001407966.1); c.4178A>G, p.Lys1393Arg (NM_001407967.1); c.2465A>G, p.Lys822Arg (NM_001407968.1); c.2462A>G, p.Lys821Arg (NM_001407969.1); c.1826A>G, p.Lys609Arg (NM_001407970.1, NM_001407971.1); and 70 more; short protein forms K1690R, K586R, K1643R, K1711R, K1521R, K1577R, K1578R, K1618R.
Identifiers: ClinVar variation 868586 (VCV000868586.3), dbSNP rs2052157455, ClinGen allele CA10591382.

Conditions:
Breast-ovarian cancer, familial, susceptibility to, 1 (BROVCA1). Also called: BRCA1 Hereditary Breast and Ovarian Cancer; OVARIAN CANCER, SUSCEPTIBILITY TO. Identifiers: Orphanet 145, MedGen C2676676, MONDO:0011450, OMIM 604370. Disease mechanism: loss of function.

Submission:

Brotman Baty Institute, University of Washington
No classification provided (evidence only). Condition: Breast-ovarian cancer, familial 1. Review status: no classification provided. Collection method: in vitro. Allele origin: not applicable. Functional consequence: functionally_normal.
ClinVar note: "not provided" was previously submitted as the classification for the variant. However, the classification appeared to be based only on an observation of functional data so it was converted to no classification on 2025-07-30.